The following is an entry in ClinVar:

ClinVar aggregate classification (germline): Likely benign. Review status: criteria provided, multiple submitters, no conflicts (2 of 4 stars). 4 submissions from 4 submitters: Likely benign (4). Last evaluated 2026-01-27.

Allele frequency attached by ClinVar (database versions not stated): 1000 Genomes Project 0.00020; ESP Exome Variant Server 0.00023; TOPMed 0.00031; gnomAD exomes 0.00032 and 0.00053; gnomAD 0.00037 and 0.00038; ExAC 0.00049; 1000 Genomes Project 30x 0.00062.
gnomAD v4.1: 813 of 1,610,344 alleles (0.05%); highest among the groups gnomAD compares: Non-Finnish European, 0.066%; no homozygotes.

Submissions (4):

Labcorp Genetics (formerly Invitae), Labcorp
Classification: Likely benign. Last evaluated: 2026-01-27. Review status: criteria provided, single submitter. Criteria: Invitae Variant Classification Sherloc (09022015). Collection method: clinical testing. Allele origin: germline.

Women's Health and Genetics/Laboratory Corporation of America, LabCorp
Classification: Likely benign. Last evaluated: 2025-11-20. Review status: criteria provided, single submitter. Criteria: LabCorp Variant Classification Summary - May 2015. Collection method: clinical testing. Allele origin: germline.

CeGaT Center for Human Genetics Tuebingen
Classification: Likely benign. Last evaluated: 2025-10-01. Review status: criteria provided, single submitter. Criteria: CeGaT Center For Human Genetics Tuebingen Variant Classification Criteria Version 2. Collection method: clinical testing. Allele origin: germline. Affected: yes. Observed: 3 variant alleles.
Comment: DCHS1: BP4, BP7

Blueprint Genetics
Classification: Likely benign. Last evaluated: 2024-11-26. Review status: criteria provided, single submitter. Criteria: ACMG Guidelines, 2015. Collection method: clinical testing. Allele origin: germline.

NM_003737.4(DCHS1):c.9834A>G (p.Ser3278=)

Gene: DCHS1 (dachsous cadherin-related 1; minus strand). Cytogenetic location: 11p15.4.
Variant type: single nucleotide variant.
Coding change: c.9834A>G on transcript NM_003737.4 (MANE Select); coding-DNA position 9834, A replaced by G.
Protein change: p.Ser3278=; no amino-acid change (serine 3278 retained).
Molecular consequence: synonymous variant.
Genome position (GRCh38, 1-based): chr11:6,621,842, T>C on the plus strand (A>G on the coding strand, the complement: DCHS1 is on the minus strand). VCF-style: chr11-6621842-T-C. GRCh37 (hg19) VCF-style: chr11-6643073-T-C.
Identifiers: ClinVar variation 770971 (VCV000770971.33), dbSNP rs201436786, ClinGen allele CA5859167.